The following is an entry in ClinVar:

NM_001386094.1(AGBL1):c.2457G>T (p.Glu819Asp)

Gene: AGBL1 (AGBL carboxypeptidase 1; plus strand). Cytogenetic location: 15q25.3.
Variant type: single nucleotide variant.
Coding change: c.2457G>T on transcript NM_001386094.1 (MANE Select); coding-DNA position 2457, G replaced by T.
Protein change: p.Glu819Asp; replaces glutamic acid 819 with aspartic acid.
Molecular consequence: missense variant.
Genome position (GRCh38, 1-based): chr15:86,397,448, G>T. VCF-style: chr15-86397448-G-T. GRCh37 (hg19) VCF-style: chr15-86940679-G-T.
Other names: c.2457G>T, p.Glu819Asp (NM_152336.4); short protein forms E819D.
Identifiers: ClinVar variation 3042880 (VCV003042880.2), dbSNP rs200431794, ClinGen allele CA7716098.

ClinVar aggregate classification (germline): Likely benign (0 of 4 stars; one submission).

Conditions:
AGBL1-related disorder. Also called: AGBL1-related condition.

Allele frequency attached by ClinVar (database versions not stated): ExAC 0.00019; 1000 Genomes Project 30x 0.00031; 1000 Genomes Project 0.00040; ESP Exome Variant Server 0.00065; gnomAD 0.00084.
gnomAD v4.1: 237 of 1,613,198 alleles (0.015%); highest among the groups gnomAD compares: African/African-American, 0.29%; 1 homozygote.

Submission:

PreventionGenetics, part of Exact Sciences
Classification: Likely benign for AGBL1-related condition. Last evaluated: 2020-01-02. Review status: no assertion criteria provided. Collection method: clinical testing. Allele origin: germline.
Comment: This variant is classified as likely benign based on ACMG/AMP sequence variant interpretation guidelines (Richards et al. 2015 PMID: 25741868, with internal and published modifications).